The following is an entry in ClinVar:

NM_000543.5(SMPD1):c.1204G>A (p.Ala402Thr)

Gene: SMPD1 (sphingomyelin phosphodiesterase 1; plus strand). Cytogenetic location: 11p15.4.
Variant type: single nucleotide variant.
Coding change: c.1204G>A on transcript NM_000543.5 (MANE Select); coding-DNA position 1204, G replaced by A.
Protein change: p.Ala402Thr; replaces alanine 402 with threonine.
Molecular consequence: missense variant. On other transcripts: non-coding transcript variant (1), intron variant (1).
Genome position (GRCh38, 1-based): chr11:6,393,328, G>A. VCF-style: chr11-6393328-G-A. GRCh37 (hg19) VCF-style: chr11-6414558-G-A.
Other names: c.1201G>A, p.Ala401Thr (NM_001007593.3); c.1204G>A, p.Ala402Thr (NM_001318087.2); c.283G>A, p.Ala95Thr (NM_001318088.2); c.1132-289G>A (NM_001365135.2); short protein forms A401T, A95T, A402T.
Identifiers: ClinVar variation 2140559 (VCV002140559.1), dbSNP rs756594690, ClinGen allele CA5852809.

ClinVar aggregate classification (germline): Uncertain significance (1 of 4 stars; one submission).

Conditions:
Niemann-Pick disease, type A. Also called: SPHINGOMYELIN LIPIDOSIS; SPHINGOMYELINASE DEFICIENCY; Infantile Neurovisceral ASMD (Niemann-Pick Disease Type A; NPD-A). Identifiers: Orphanet 77292, MedGen C0268242, MONDO:0009756, OMIM 257200. Disease mechanism: loss of function.
Niemann-Pick disease, type B. Also called: Chronic Visceral ASMD (Niemann-Pick Disease Type B; NPD-B). Identifiers: Orphanet 77293, MedGen C0268243, MONDO:0011871, OMIM 607616. Disease mechanism: loss of function.

Allele frequency attached by ClinVar (database versions not stated): gnomAD exomes below 0.00001; gnomAD 0.00001; ExAC 0.00002.
gnomAD v4.1: 8 of 1,613,820 alleles (0.0005%); highest among the groups gnomAD compares: African/African-American, 0.0027%; no homozygotes.

Submission:

Labcorp Genetics (formerly Invitae), Labcorp
Classification: Uncertain significance for Niemann-Pick disease, type B; Niemann-Pick disease, type A. Last evaluated: 2022-07-12. Review status: criteria provided, single submitter. Criteria: Invitae Variant Classification Sherloc (09022015). Collection method: clinical testing. Allele origin: germline.
Comment: This sequence change replaces alanine, which is neutral and non-polar, with threonine, which is neutral and polar, at codon 402 of the SMPD1 protein (p.Ala402Thr). This variant is present in population databases (rs756594690, gnomAD 0.003%). This variant has not been reported in the literature in individuals affected with SMPD1-related conditions. Advanced modeling of protein sequence and biophysical properties (such as structural, functional, and spatial information, amino acid conservation, physicochemical variation, residue mobility, and thermodynamic stability) performed at Invitae indicates that this missense variant is expected to disrupt SMPD1 protein function. In summary, the available evidence is currently insufficient to determine the role of this variant in disease. Therefore, it has been classified as a Variant of Uncertain Significance.